The following is an entry in ClinVar:

NM_005529.7(HSPG2):c.5878G>C (p.Val1960Leu)

Gene: HSPG2 (heparan sulfate proteoglycan 2; minus strand). Cytogenetic location: 1p36.12.
Variant type: single nucleotide variant.
Coding change: c.5878G>C on transcript NM_005529.7 (MANE Select); coding-DNA position 5878, G replaced by C.
Protein change: p.Val1960Leu; replaces valine 1960 with leucine.
Molecular consequence: missense variant.
Genome position (GRCh38, 1-based): chr1:21,855,423, C>G on the plus strand (G>C on the coding strand, the complement: HSPG2 is on the minus strand). VCF-style: chr1-21855423-C-G. GRCh37 (hg19) VCF-style: chr1-22181916-C-G.
Other names: c.5881G>C, p.Val1961Leu (NM_001291860.2); short protein forms V1960L, V1961L.
Identifiers: ClinVar variation 1679488 (VCV001679488.7), dbSNP rs543536558, ClinGen allele CA671756.

ClinVar aggregate classification (germline): Uncertain significance (1 of 4 stars; one submission).

Allele frequency attached by ClinVar (database versions not stated): gnomAD exomes below 0.00001; TOPMed below 0.00001; ExAC 0.00001; gnomAD 0.00001; 1000 Genomes Project 30x 0.00031; 1000 Genomes Project 0.00040.
gnomAD v4.1: 29 of 1,613,270 alleles (0.0018%); highest among the groups gnomAD compares: Non-Finnish European, 0.0024%; no homozygotes.

Submission:

ARUP Laboratories, Molecular Genetics and Genomics, ARUP Laboratories
Classification: Uncertain significance. Last evaluated: 2022-02-11. Review status: criteria provided, single submitter. Criteria: ARUP Molecular Germline Variant Investigation Process 2021. Collection method: clinical testing. Allele origin: germline.
Comment: The HSPG2 c.5878G>C; p.Val1960Leu variant (rs543536558), to our knowledge, is not reported in the medical literature or gene specific databases. This variant is only found on two alleles in the Genome Aggregation Database, indicating it is not a common polymorphism. The valine at codon 1960 is highly conserved, but computational analyses predict that this variant is neutral (REVEL: 0.124). However, given the lack of clinical and functional data, the significance of this variant is uncertain at this time.